The following is an entry in ClinVar:

NM_130384.3(ATRIP):c.2016G>T (p.Leu672Phe)

Genes: ATRIP (ATR interacting protein; plus strand), ATRIP-TREX1 (ATRIP-TREX1 readthrough; plus strand). Cytogenetic location: 3p21.31.
Variant type: single nucleotide variant.
Coding change: c.2016G>T on transcript NM_130384.3 (MANE Select); coding-DNA position 2016, G replaced by T.
Protein change: p.Leu672Phe; replaces leucine 672 with phenylalanine.
Molecular consequence: missense variant. On other transcripts: non-coding transcript variant (1), intron variant (1).
Genome position (GRCh38, 1-based): chr3:48,464,623, G>T. VCF-style: chr3-48464623-G-T. GRCh37 (hg19) VCF-style: chr3-48506022-G-T.
Other names: c.1635G>T, p.Leu545Phe (NM_001271022.2); c.1737G>T, p.Leu579Phe (NM_001271023.2); c.1975-208G>T (NM_032166.4); short protein forms L579F, L545F, L672F.
Identifiers: ClinVar variation 3464545 (VCV003464545.1).

ClinVar aggregate classification (germline): Uncertain significance (1 of 4 stars; one submission).

gnomAD v4.1: 5 of 1,614,072 alleles (0.00031%); highest among the groups gnomAD compares: Admixed American, 0.0033%; no homozygotes.

Submission:

Ambry Genetics
Classification: Uncertain significance. Last evaluated: 2024-11-25. Review status: criteria provided, single submitter. Criteria: Ambry Variant Classification Scheme 2023. Collection method: clinical testing. Allele origin: germline.
Comment: The p.L672F variant (also known as c.2016G>T), located in coding exon 11 of the ATRIP gene, results from a G to T substitution at nucleotide position 2016. The leucine at codon 672 is replaced by phenylalanine, an amino acid with highly similar properties. This amino acid position is conserved. In addition, this alteration is predicted to be tolerated by in silico analysis. Based on the available evidence, the clinical significance of this variant remains unclear.